The following is an entry in ClinVar:

ClinVar aggregate classification (germline): Likely benign (1 of 4 stars; one submission).

Allele frequency attached by ClinVar (database versions not stated): gnomAD exomes 0.00005; ESP Exome Variant Server 0.00008; ExAC 0.00011.
gnomAD v4.1: 116 of 1,614,214 alleles (0.0072%); highest among the groups gnomAD compares: African/African-American, 0.073%; no homozygotes.

Submission:

CeGaT Center for Human Genetics Tuebingen
Classification: Likely benign. Last evaluated: 2025-12-01. Review status: criteria provided, single submitter. Criteria: CeGaT Center For Human Genetics Tuebingen Variant Classification Criteria Version 2. Collection method: clinical testing. Allele origin: germline. Affected: yes. Observed: 4 variant alleles.
Comment: HERC2: BP4, BP7

NM_004667.6(HERC2):c.1782G>A (p.Pro594=)

Gene: HERC2 (HECT and RLD domain containing E3 ubiquitin protein ligase 2; minus strand). Cytogenetic location: 15q13.1.
Variant type: single nucleotide variant.
Coding change: c.1782G>A on transcript NM_004667.6 (MANE Select); coding-DNA position 1782, G replaced by A.
Protein change: p.Pro594=; no amino-acid change (proline 594 retained).
Molecular consequence: synonymous variant.
Genome position (GRCh38, 1-based): chr15:28,265,706, C>T on the plus strand (G>A on the coding strand, the complement: HERC2 is on the minus strand). VCF-style: chr15-28265706-C-T. GRCh37 (hg19) VCF-style: chr15-28510852-C-T.
Identifiers: ClinVar variation 2645079 (VCV002645079.24), dbSNP rs147892890, ClinGen allele CA7443342.